The following is an entry in ClinVar:

NM_019892.6(INPP5E):c.1861C>T (p.Arg621Trp)

Gene: INPP5E (inositol polyphosphate-5-phosphatase E; minus strand). Cytogenetic location: 9q34.3.
Variant type: single nucleotide variant.
Coding change: c.1861C>T on transcript NM_019892.6 (MANE Select); coding-DNA position 1861, C replaced by T.
Protein change: p.Arg621Trp; replaces arginine 621 with tryptophan.
Molecular consequence: missense variant.
Genome position (GRCh38, 1-based): chr9:136,429,749, G>A on the plus strand (C>T on the coding strand, the complement: INPP5E is on the minus strand). VCF-style: chr9-136429749-G-A. GRCh37 (hg19) VCF-style: chr9-139324201-G-A.
Other names: c.1858C>T, p.Arg620Trp (NM_001318502.2); short protein forms R621W, R620W.
Identifiers: ClinVar variation 426904 (VCV000426904.25), dbSNP rs142759730, ClinGen allele CA5336632.

ClinVar aggregate classification (germline): Pathogenic/Likely pathogenic. Review status: criteria provided, multiple submitters, no conflicts (2 of 4 stars). 7 submissions from 7 submitters: Pathogenic (2); Likely pathogenic (5). Last evaluated 2025-03-04.

Conditions:
Joubert syndrome 1 (JBTS1). Also called: Cerebellooculorenal syndrome 1; CEREBELLOPARENCHYMAL DISORDER IV. Identifiers: MedGen C4551568, MONDO:0008944, OMIM 213300.
Joubert syndrome. Also called: Familial aplasia of the vermis; JOUBERT-BOLTSHAUSER SYNDROME. Identifiers: Orphanet 475, MedGen C5979921, MONDO:0018772.
INPP5E-related disorder. Also called: INPP5E-related condition.
MORM syndrome (MORMS). Identifiers: Orphanet 75858, MedGen C1857802, MONDO:0012423, OMIM 610156.
Rod-cone dystrophy. Identifiers: MedGen C4551714, HP:0000510.

Allele frequency attached by ClinVar (database versions not stated): ExAC 0.00001; gnomAD exomes 0.00001 and 0.00002; TOPMed 0.00004; gnomAD 0.00005 and 0.00006; ESP Exome Variant Server 0.00015.
gnomAD v4.1: 20 of 1,613,568 alleles (0.0012%); highest among the groups gnomAD compares: African/African-American, 0.008%; no homozygotes.

Submissions (7):

Institute of Human Genetics, University of Leipzig Medical Center
Classification: Likely pathogenic for Joubert syndrome 1. Last evaluated: 2025-03-04. Review status: criteria provided, single submitter. Criteria: ACMG Guidelines, 2015. Collection method: clinical testing. Allele origin: unknown. Inheritance: Autosomal recessive inheritance. Affected: yes.
Comment: Criteria applied: PM5_STR,PM2,PM3,PP3

Labcorp Genetics (formerly Invitae), Labcorp
Classification: Pathogenic for Joubert syndrome. Last evaluated: 2024-11-05. Review status: criteria provided, single submitter. Criteria: Invitae Variant Classification Sherloc (09022015). Collection method: clinical testing. Allele origin: germline.
Comment: This sequence change replaces arginine, which is basic and polar, with tryptophan, which is neutral and slightly polar, at codon 621 of the INPP5E protein (p.Arg621Trp). This variant is present in population databases (rs142759730, gnomAD 0.007%). This missense change has been observed in individuals with INPP5E-related conditions (PMID: 23847139, 34188062; internal data). ClinVar contains an entry for this variant (Variation ID: 426904). Invitae Evidence Modeling of protein sequence and biophysical properties (such as structural, functional, and spatial information, amino acid conservation, physicochemical variation, residue mobility, and thermodynamic stability) indicates that this missense variant is expected to disrupt INPP5E protein function with a positive predictive value of 80%. This variant disrupts the p.Arg621 amino acid residue in INPP5E. Other variant(s) that disrupt this residue have been determined to be pathogenic (PMID: 23034536, 28559085, 29186038). This suggests that this residue is clinically significant, and that variants that disrupt this residue are likely to be disease-causing. For these reasons, this variant has been classified as Pathogenic.

Fulgent Genetics
Classification: Likely pathogenic for Joubert syndrome 1; MORM syndrome. Last evaluated: 2024-06-06. Review status: criteria provided, single submitter. Criteria: ACMG Guidelines, 2015. Collection method: clinical testing. Allele origin: germline.

GeneDx
Classification: Likely pathogenic. Last evaluated: 2023-02-05. Review status: criteria provided, single submitter. Criteria: GeneDx Variant Classification Process June 2021. Collection method: clinical testing. Allele origin: germline. Affected: yes.
Comment: Not observed at a significant frequency in large population cohorts (gnomAD); In silico analysis, which includes protein predictors and evolutionary conservation, supports a deleterious effect; This variant is associated with the following publications: (PMID: 23847139, 26748598, 36063381, 34188062, 23034536, 23386033)

Blueprint Genetics
Classification: Likely pathogenic for INPP5E-related disorders. Last evaluated: 2022-10-10. Review status: criteria provided, single submitter. Criteria: ACMG Guidelines, 2015. Collection method: clinical testing. Allele origin: germline. Affected: yes. Observed: 3 variant alleles.

3billion
Classification: Pathogenic for MORM syndrome. Last evaluated: 2022-01-03. Review status: criteria provided, single submitter. Criteria: ACMG Guidelines, 2015. Collection method: clinical testing. Allele origin: germline. Affected: yes. Observed: 1 homozygote.
Comment: Same nucleotide change resulting in same amino acid change has been previously reported as pathogenic/likely pathogenic with strong evidence (ClinVar ID: VCV000426904, PMID:23847139, PS1_S). A different missense change at the same codon has been reported as pathogenic/likely pathogenic with strong evidence (ClinVar ID: VCV000812336, PMID:23034536, PM5_M). In silico tool predictions suggest damaging effect of the variant on gene or gene product (REVEL: 0.751, PP3_P). A missense variant is a common mechanism associated with Mental retardation (PP2_P). It is observed at an extremely low frequency in the gnomAD v2.1.1 dataset (total allele frequency: 0.000016, PM2_M). Therefore, this variant is classified as pathogenic according to the recommendation of ACMG/AMP guideline.

Ocular Genomics Institute, Massachusetts Eye and Ear
Classification: Likely pathogenic for Rod-cone dystrophy. Last evaluated: 2021-04-08. Review status: criteria provided, single submitter. Criteria: ACMG Guidelines, 2015. Collection method: research. Allele origin: germline. Affected: yes.
Comment: Through a review of available evidence we were able to apply the following criteria: PM2, PM3, PP1, PM5. Based on this evidence we have classified this variant as Likely Pathogenic.

Literature cited by the submitters: PubMed 23847139 (cited by Labcorp Genetics (formerly Invitae), Labcorp and 3billion); PubMed 34188062 (cited by Labcorp Genetics (formerly Invitae), Labcorp); PubMed 23034536 (cited by Labcorp Genetics (formerly Invitae), Labcorp and 3billion); PubMed 28559085 (cited by Labcorp Genetics (formerly Invitae), Labcorp); PubMed 29186038 (cited by Labcorp Genetics (formerly Invitae), Labcorp).